The following is an entry in ClinVar:

ClinVar aggregate classification (germline): Uncertain significance (1 of 4 stars; one submission).

Allele frequency attached by ClinVar (database versions not stated): gnomAD exomes below 0.00001; TOPMed below 0.00001; gnomAD 0.00001.
gnomAD v4.1: 6 of 1,614,096 alleles (0.00037%); highest among the groups gnomAD compares: Non-Finnish European, 0.00051%; no homozygotes.

Submission:

Labcorp Genetics (formerly Invitae), Labcorp
Classification: Uncertain significance. Last evaluated: 2024-07-02. Review status: criteria provided, single submitter. Criteria: Invitae Variant Classification Sherloc (09022015). Collection method: clinical testing. Allele origin: germline.
Comment: This sequence change replaces valine, which is neutral and non-polar, with isoleucine, which is neutral and non-polar, at codon 288 of the TEAD1 protein (p.Val288Ile). This variant is present in population databases (no rsID available, gnomAD 0.0009%). This variant has not been reported in the literature in individuals affected with TEAD1-related conditions. ClinVar contains an entry for this variant (Variation ID: 1399071). Advanced modeling of protein sequence and biophysical properties (such as structural, functional, and spatial information, amino acid conservation, physicochemical variation, residue mobility, and thermodynamic stability) performed at Invitae indicates that this missense variant is not expected to disrupt TEAD1 protein function with a negative predictive value of 80%. In summary, the available evidence is currently insufficient to determine the role of this variant in disease. Therefore, it has been classified as a Variant of Uncertain Significance.

NM_021961.6(TEAD1):c.862G>A (p.Val288Ile)

Gene: TEAD1 (TEA domain transcription factor 1; plus strand). Cytogenetic location: 11p15.3.
Variant type: single nucleotide variant.
Coding change: c.862G>A on transcript NM_021961.6 (MANE Select); coding-DNA position 862, G replaced by A.
Protein change: p.Val288Ile; replaces valine 288 with isoleucine.
Molecular consequence: missense variant.
Genome position (GRCh38, 1-based): chr11:12,902,102, G>A. VCF-style: chr11-12902102-G-A. GRCh37 (hg19) VCF-style: chr11-12923649-G-A.
Other names: short protein forms V288I.
Identifiers: ClinVar variation 1399071 (VCV001399071.8), dbSNP rs1243570522, ClinGen allele CA379714729.